The following is an entry in ClinVar:

ClinVar aggregate classification (germline): Uncertain significance. Review status: criteria provided, multiple submitters, no conflicts (2 of 4 stars). 2 submissions from 2 submitters: Uncertain significance (2). Last evaluated 2025-11-18.

Conditions:
ABCG5-related disorder. Also called: ABCG5-related condition.
Cardiovascular phenotype. Identifiers: MedGen CN230736.

Allele frequency attached by ClinVar (database versions not stated): ExAC 0.00001; gnomAD 0.00003; TOPMed 0.00003.

Submissions (2):

PreventionGenetics, part of Exact Sciences
Classification: Uncertain significance for ABCG5-related condition. Last evaluated: 2025-11-18. Review status: criteria provided, single submitter. Criteria: ACMG Guidelines, 2015. Collection method: clinical testing. Allele origin: germline.
Comment: The ABCG5 c.212A>G variant is predicted to result in the amino acid substitution p.Asp71Gly. To our knowledge, this variant has not been reported in the literature. This variant is reported in 0.0062% of alleles in individuals of African descent in gnomAD. At this time, the clinical significance of this variant is uncertain due to the absence of conclusive functional and genetic evidence.

Ambry Genetics
Classification: Uncertain significance for Cardiovascular phenotype. Last evaluated: 2022-08-03. Review status: criteria provided, single submitter. Criteria: Ambry Variant Classification Scheme 2023. Collection method: clinical testing. Allele origin: germline.
Comment: The p.D71G variant (also known as c.212A>G), located in coding exon 2 of the ABCG5 gene, results from an A to G substitution at nucleotide position 212. The aspartic acid at codon 71 is replaced by glycine, an amino acid with similar properties. This amino acid position is conserved. In addition, the in silico prediction for this alteration is inconclusive. Since supporting evidence is limited at this time, the clinical significance of this alteration remains unclear.

NM_022436.3(ABCG5):c.212A>G (p.Asp71Gly)

Gene: ABCG5 (ATP binding cassette subfamily G member 5; minus strand). Cytogenetic location: 2p21.
Variant type: single nucleotide variant.
Coding change: c.212A>G on transcript NM_022436.3 (MANE Select); coding-DNA position 212, A replaced by G.
Protein change: p.Asp71Gly; replaces aspartic acid 71 with glycine.
Molecular consequence: missense variant.
Genome position (GRCh38, 1-based): chr2:43,837,887, T>C on the plus strand (A>G on the coding strand, the complement: ABCG5 is on the minus strand). VCF-style: chr2-43837887-T-C. GRCh37 (hg19) VCF-style: chr2-44065026-T-C.
Other names: short protein forms D71G.
Identifiers: ClinVar variation 1786365 (VCV001786365.3), dbSNP rs761690671, ClinGen allele CA1636749.
Genomic context (GRCh38, chr2:43,837,887, plus strand): 5'-AGCTTACCTGAGCTTCCTAGGATGCACATGATCTGCCCGCTCTCCACGTACAAGGAGACA[T>C]CTTTGAGGATCTGCCTGGTCCACTGCTGCCGGCAAGATGTGATGTCCCACCAGGGCCTCA-3'
Protein context (NP_071881.1, residues 61-81): RQQWTRQILK[Asp71Gly]VSLYVESGQI